The following is an entry in ClinVar:

ClinVar aggregate classification (germline): Likely benign. Review status: criteria provided, multiple submitters, no conflicts (2 of 4 stars). 4 submissions from 4 submitters: Likely benign (3). 1 of the submissions does not count toward it. Last evaluated 2023-10-19.

Conditions:
Long QT syndrome (LQTS). Identifiers: MedGen C0023976, MeSH D008133, MONDO:0002442. Disease mechanism: loss of function. Inheritance: Various modes of inheritance.
ANK2-related disorder. Also called: ANK2-related condition.
Cardiovascular phenotype. Identifiers: MedGen CN230736.

Allele frequency attached by ClinVar (database versions not stated): gnomAD exomes 0.00001; ExAC 0.00002.
gnomAD v4.1: 14 of 1,614,144 alleles (0.00087%); highest among the groups gnomAD compares: East Asian, 0.0022%; no homozygotes.

Submissions (4):

Ambry Genetics
Classification: Likely benign for Cardiovascular phenotype. Last evaluated: 2023-10-19. Review status: criteria provided, single submitter. Criteria: Ambry Variant Classification Scheme 2023. Collection method: clinical testing. Allele origin: germline.

Labcorp Genetics (formerly Invitae), Labcorp
Classification: Likely benign for Long QT syndrome. Last evaluated: 2023-08-30. Review status: criteria provided, single submitter. Criteria: Invitae Variant Classification Sherloc (09022015). Collection method: clinical testing. Allele origin: germline.

CeGaT Center for Human Genetics Tuebingen
Classification: Likely benign. Last evaluated: 2019-05-01. Review status: criteria provided, single submitter. Criteria: CeGaT Center For Human Genetics Tuebingen Variant Classification Criteria Version 2. Collection method: clinical testing. Allele origin: germline. Affected: yes. Observed: 1 variant allele.

PreventionGenetics, part of Exact Sciences
Classification: Likely benign for ANK2-related condition. Last evaluated: 2021-05-03. Review status: no assertion criteria provided. Collection method: clinical testing. Allele origin: germline. Not counted in ClinVar's aggregate classification.
Comment: This variant is classified as likely benign based on ACMG/AMP sequence variant interpretation guidelines (Richards et al. 2015 PMID: 25741868, with internal and published modifications).

NM_001148.6(ANK2):c.6318A>G (p.Arg2106=)

Genes: ANK2 (ankyrin 2; plus strand), LOC126807136 (MED14-independent group 3 enhancer GRCh37_chr4:114274931-114276130; plus strand). Cytogenetic location: 4q26.
Variant type: single nucleotide variant.
Coding change: c.6318A>G on transcript NM_001148.6 (MANE Select); coding-DNA position 6318, A replaced by G.
Protein change: p.Arg2106=; no amino-acid change (arginine 2106 retained).
Molecular consequence: synonymous variant. On other transcripts: intron variant (68).
Genome position (GRCh38, 1-based): chr4:113,354,936, A>G. VCF-style: chr4-113354936-A-G. GRCh37 (hg19) VCF-style: chr4-114276092-A-G.
Other names: c.6084A>G, p.Arg2028= (NM_001386142.1); c.2718A>G, p.Arg906= (NM_001386166.1); c.6459A>G, p.Arg2153= (NM_001386174.1); c.6435A>G, p.Arg2145= (NM_001386175.1); c.4411+4687A>G (NM_001386186.2, NM_001386148.2); c.4213+4687A>G (NM_001354269.3); c.4291+4687A>G (NM_001386187.2); c.4252+4687A>G (NM_001386147.1); and 36 more.
Identifiers: ClinVar variation 809667 (VCV000809667.51), dbSNP rs762414760, ClinGen allele CA3051395.